The following is an entry in ClinVar:

ClinVar aggregate classification (germline): Likely benign. Review status: criteria provided, multiple submitters, no conflicts (2 of 4 stars). 4 submissions from 4 submitters: Likely benign (4). Last evaluated 2026-04-01.

Conditions:
Nephrolithiasis, calcium oxalate. Also called: Calcium oxalate urolithiasis. Identifiers: MedGen C1833683, MONDO:0957318, HP:0008672.

Allele frequency attached by ClinVar (database versions not stated): ESP Exome Variant Server 0.00008; TOPMed 0.00008; gnomAD 0.00009 and 0.00011; gnomAD exomes 0.00012 and 0.00026; 1000 Genomes Project 30x 0.00016; 1000 Genomes Project 0.00020; ExAC 0.00040.
gnomAD v4.1: 186 of 1,599,856 alleles (0.012%); highest among the groups gnomAD compares: East Asian, 0.14%; no homozygotes.

Submissions (4):

CeGaT Center for Human Genetics Tuebingen
Classification: Likely benign. Last evaluated: 2026-04-01. Review status: criteria provided, single submitter. Criteria: CeGaT Center For Human Genetics Tuebingen Variant Classification Criteria Version 2. Collection method: clinical testing. Allele origin: germline. Affected: yes. Observed: 1 variant allele.
Comment: SLC26A1: BP4, BP7

Labcorp Genetics (formerly Invitae), Labcorp
Classification: Likely benign. Last evaluated: 2025-12-15. Review status: criteria provided, single submitter. Criteria: Invitae Variant Classification Sherloc (09022015). Collection method: clinical testing. Allele origin: germline.

Blueprint Genetics
Classification: Likely benign. Last evaluated: 2024-10-15. Review status: criteria provided, single submitter. Criteria: ACMG Guidelines, 2015. Collection method: clinical testing. Allele origin: germline.

Fulgent Genetics
Classification: Likely benign for Nephrolithiasis susceptibility caused by SLC26A1. Last evaluated: 2022-04-27. Review status: criteria provided, single submitter. Criteria: ACMG Guidelines, 2015. Collection method: clinical testing. Allele origin: unknown.

NM_022042.4(SLC26A1):c.1848C>T (p.Cys616=)

Genes: IDUA (alpha-L-iduronidase; plus strand), SLC26A1 (solute carrier family 26 member 1; minus strand). Cytogenetic location: 4p16.3.
Variant type: single nucleotide variant.
Coding change: c.1848C>T on transcript NM_022042.4 (MANE Select); coding-DNA position 1848, C replaced by T.
Protein change: p.Cys616=; no amino-acid change (cysteine 616 retained).
Molecular consequence: synonymous variant. On other transcripts: intron variant (2).
Genome position (GRCh38, 1-based): chr4:989,091, G>A on the plus strand (C>T on the coding strand, the complement: SLC26A1 is on the minus strand). VCF-style: chr4-989091-G-A. GRCh37 (hg19) VCF-style: chr4-982879-G-A.
Other names: c.1848C>T, p.Cys616= (NM_213613.4); c.576+2037C>T (NM_134425.4); c.299+1142G>A (NM_000203.5).
Identifiers: ClinVar variation 1393657 (VCV001393657.12), dbSNP rs377435206, ClinGen allele CA2801249.